The following is an entry in ClinVar:

ClinVar aggregate classification (germline): Uncertain significance. Review status: criteria provided, multiple submitters, no conflicts (2 of 4 stars). 4 submissions from 4 submitters: Uncertain significance (4). Last evaluated 2024-03-30.

Conditions:
Nephrotic syndrome 15. Identifiers: MedGen C4539896, MONDO:0033262, OMIM 617609.

Allele frequency attached by ClinVar (database versions not stated): TOPMed below 0.00001; gnomAD 0.00004; 1000 Genomes Project 30x 0.00062.
gnomAD v4.1: 33 of 1,050,838 alleles (0.0031%); highest among the groups gnomAD compares: Middle Eastern, 0.13%; no homozygotes.

Submissions (4):

Ambry Genetics
Classification: Uncertain significance. Last evaluated: 2024-03-30. Review status: criteria provided, single submitter. Criteria: Ambry Variant Classification Scheme 2023. Collection method: clinical testing. Allele origin: germline.

Labcorp Genetics (formerly Invitae), Labcorp
Classification: Uncertain significance. Last evaluated: 2022-11-28. Review status: criteria provided, single submitter. Criteria: Invitae Variant Classification Sherloc (09022015). Collection method: clinical testing. Allele origin: germline.
Comment: In summary, the available evidence is currently insufficient to determine the role of this variant in disease. Therefore, it has been classified as a Variant of Uncertain Significance. Algorithms developed to predict the effect of missense changes on protein structure and function are either unavailable or do not agree on the potential impact of this missense change (SIFT: "Tolerated"; PolyPhen-2: "Not Available"; Align-GVGD: "Class C0"). ClinVar contains an entry for this variant (Variation ID: 1693099). This variant has not been reported in the literature in individuals affected with MAGI2-related conditions. The frequency data for this variant in the population databases is considered unreliable, as metrics indicate insufficient coverage at this position in the gnomAD database. This sequence change replaces proline, which is neutral and non-polar, with alanine, which is neutral and non-polar, at codon 1419 of the MAGI2 protein (p.Pro1419Ala).

GeneDx
Classification: Uncertain significance. Last evaluated: 2021-12-23. Review status: criteria provided, single submitter. Criteria: GeneDx Variant Classification Process June 2021. Collection method: clinical testing. Allele origin: germline. Affected: yes.
Comment: Not observed at significant frequency in large population cohorts (gnomAD); In silico analysis supports that this missense variant does not alter protein structure/function; Has not been previously published as pathogenic or benign to our knowledge; Variants in candidate genes are classified as variants of uncertain significance in accordance with ACMG guidelines (Richards et al., 2015)

Fulgent Genetics
Classification: Uncertain significance for Nephrotic syndrome 15. Last evaluated: 2021-08-13. Review status: criteria provided, single submitter. Criteria: ACMG Guidelines, 2015. Collection method: clinical testing. Allele origin: unknown.

NM_012301.4(MAGI2):c.4255C>G (p.Pro1419Ala)

Gene: MAGI2 (membrane associated guanylate kinase, WW and PDZ domain containing 2; minus strand). Cytogenetic location: 7q21.11.
Variant type: single nucleotide variant.
Coding change: c.4255C>G on transcript NM_012301.4 (MANE Select); coding-DNA position 4255, C replaced by G.
Protein change: p.Pro1419Ala; replaces proline 1419 with alanine.
Molecular consequence: missense variant.
Genome position (GRCh38, 1-based): chr7:78,019,428, G>C on the plus strand (C>G on the coding strand, the complement: MAGI2 is on the minus strand). VCF-style: chr7-78019428-G-C. GRCh37 (hg19) VCF-style: chr7-77648745-G-C.
Other names: c.4213C>G, p.Pro1405Ala (NM_001301128.2); short protein forms P1405A, P1419A.
Identifiers: ClinVar variation 1693099 (VCV001693099.8), dbSNP rs1584845985, ClinGen allele CA367844705.
Genomic context (GRCh38, chr7:78,019,428, plus strand): 5'-AACCCGGCACCTTCCAGGGCCCCGGCGCGACGGCGGCCTTGCGCGCCGGGGCGCCCCCCG[G>C]GGGTCGCGGGCCCGGCCGGGGACCCGCGCGCGCACCCGCCCTGCCCTCGGCCTCCAGCGC-3'
Protein context (NP_036433.2, residues 1409-1429): RAGPRPGPRP[Pro1419Ala]GGAPARKAAV